The following is an entry in ClinVar:

ClinVar aggregate classification (germline): Benign/Likely benign. Review status: criteria provided, multiple submitters, no conflicts (2 of 4 stars). 9 submissions from 9 submitters: Benign (2); Likely benign (3). 4 of the submissions do not count toward it. Last evaluated 2026-02-01.

Conditions:
CYBB-related disorder. Also called: CYBB-related condition.
Granulomatous disease, chronic, X-linked. Also called: CYTOCHROME b-NEGATIVE GRANULOMATOUS DISEASE, CHRONIC, X-LINKED; GRANULOMATOUS DISEASE, CHRONIC, X-LINKED, SOMATIC MOSAIC. Identifiers: Orphanet 379, MedGen C1844376, MONDO:0010600, OMIM 306400.

Allele frequency attached by ClinVar (database versions not stated): 1000 Genomes Project 0.00026; 1000 Genomes Project 30x 0.00042; TOPMed 0.00113; gnomAD exomes 0.00118 and 0.00219; gnomAD 0.00141 and 0.00144; ESP Exome Variant Server 0.00152; ExAC 0.00159.
gnomAD v4.1: 2,516 of 1,207,338 alleles (0.21%); highest among the groups gnomAD compares: Non-Finnish European, 0.26%; 4 homozygotes.

Submissions (9):

Labcorp Genetics (formerly Invitae), Labcorp
Classification: Benign for Granulomatous disease, chronic, X-linked. Last evaluated: 2026-02-01. Review status: criteria provided, single submitter. Criteria: Invitae Variant Classification Sherloc (09022015). Collection method: clinical testing. Allele origin: germline.

Blueprint Genetics
Classification: Likely benign. Last evaluated: 2024-11-27. Review status: criteria provided, single submitter. Criteria: ACMG Guidelines, 2015. Collection method: clinical testing. Allele origin: germline.

Women's Health and Genetics/Laboratory Corporation of America, LabCorp
Classification: Benign. Last evaluated: 2018-12-04. Review status: criteria provided, single submitter. Criteria: LabCorp Variant Classification Summary - May 2015. Collection method: clinical testing. Allele origin: germline.
Comment: Variant summary: CYBB c.1551T>A (p.Asp517Glu) results in a conservative amino acid change located in the Ferric reductase, NAD binding domain of the encoded protein sequence. Four of five in-silico tools predict a benign effect of the variant on protein function. The variant allele was found at a frequency of 0.0012 in 193905 control chromosomes, including 75 hemizygous males, predominantly at a frequency of 0.0021 within the Non-Finnish European subpopulation in the gnomAD database. The observed variant frequency within Non-Finnish European control individuals in the gnomAD database is approximately equal to the estimated maximal expected allele frequency for a pathogenic variant in CYBB causing X-linked Chronic Granulomatous Disease phenotype (0.0019), strongly suggesting that the variant is a benign polymorphism found primarily in populations of Non-Finnish European origin. The variant, c.1551T>A, has been reported in the literature in one individual affected with X-linked Chronic Granulomatous Disease as a benign variant, together with c.90C>A (p.Y30X)(Hill_2010). To our knowledge, no experimental evidence demonstrating an impact on protein function has been reported. Two clinical diagnostic laboratories have submitted clinical-significance assessments for this variant to ClinVar after 2014 without evidence for independent evaluation and classified the variant as benign/likely benign. Based on the evidence outlined above, the variant was classified as benign.

Center for Pediatric Genomic Medicine, Children's Mercy Hospital and Clinics
Classification: Likely benign. Last evaluated: 2016-11-02. Review status: criteria provided, single submitter. Criteria: ACMG Guidelines, 2015. Collection method: clinical testing. Allele origin: germline.
ClinVar note: Converted during submission from Likely Benign to Likely benign.

Breakthrough Genomics
Classification: Likely benign. Review status: criteria provided, single submitter. Criteria: ACMG Guidelines, 2015. Collection method: not provided. Allele origin: germline. Inheritance: X-linked inheritance. Affected: yes.

PreventionGenetics, part of Exact Sciences
Classification: Likely benign for CYBB-related condition. Last evaluated: 2020-09-22. Review status: no assertion criteria provided. Collection method: clinical testing. Allele origin: germline. Not counted in ClinVar's aggregate classification.
Comment: This variant is classified as likely benign based on ACMG/AMP sequence variant interpretation guidelines (Richards et al. 2015 PMID: 25741868, with internal and published modifications).

Clinical Genetics DNA and cytogenetics Diagnostics Lab, Erasmus MC, Erasmus Medical Center
Classification: Benign. Review status: no assertion criteria provided. Collection method: clinical testing. Allele origin: germline. Affected: yes. Study: VKGL Data-share Consensus. Not counted in ClinVar's aggregate classification.

Laboratory of Diagnostic Genome Analysis, Leiden University Medical Center (LUMC)
Classification: Likely benign. Review status: no assertion criteria provided. Collection method: clinical testing. Allele origin: germline. Affected: yes. Study: VKGL Data-share Consensus. Not counted in ClinVar's aggregate classification.

UniProtKB/Swiss-Prot
No classification provided. Review status: no classification provided. Collection method: not provided. Allele origin: not provided. Not counted in ClinVar's aggregate classification.

Literature cited by the submitters: PubMed 20228266 (cited by Women's Health and Genetics/Laboratory Corporation of America, LabCorp).

NM_000397.4(CYBB):c.1551T>A (p.Asp517Glu)

Gene: CYBB (cytochrome b-245 beta chain; plus strand). Cytogenetic location: Xp11.4.
Variant type: single nucleotide variant.
Coding change: c.1551T>A on transcript NM_000397.4 (MANE Select); coding-DNA position 1551, T replaced by A.
Protein change: p.Asp517Glu; replaces aspartic acid 517 with glutamic acid.
Molecular consequence: missense variant.
Genome position (GRCh38, 1-based): chrX:37,809,656, T>A. VCF-style: chrX-37809656-T-A. GRCh37 (hg19) VCF-style: chrX-37668909-T-A.
Other names: short protein forms D517E.
Identifiers: ClinVar variation 68385 (VCV000068385.19), dbSNP rs151344452, ClinGen allele CA219701.
Genomic context (GRCh38, chrX:37,809,656, plus strand): 5'-GGAGAAAGATGTGATCACAGGCCTGAAACAAAAGACTTTGTATGGACGGCCCAACTGGGA[T>A]AATGAATTCAAGACAATTGCAAGTCAACACCCTAAGTAAGGAGTCTGTCACCAAGATGTT-3'
Protein context (NP_000388.2, residues 507-527): QKTLYGRPNW[Asp517Glu]NEFKTIASQH